The following is an entry in ClinVar:

ClinVar aggregate classification (germline): Uncertain significance (1 of 4 stars; one submission).

Submission:

GeneDx
Classification: Uncertain significance. Last evaluated: 2026-10-07. Review status: criteria provided, single submitter. Criteria: GeneDx Variant Classification Process June 2021. Collection method: clinical testing. Allele origin: germline.
Comment: Not observed at significant frequency in large population cohorts (gnomAD); In silico analysis supports that this missense variant has a deleterious effect on protein structure/function; Has not been previously published as pathogenic or benign to our knowledge

NM_001923.5(DDB1):c.901C>G (p.Arg301Gly)

Gene: DDB1 (damage specific DNA binding protein 1; minus strand). Cytogenetic location: 11q12.2.
Variant type: single nucleotide variant.
Coding change: c.901C>G on transcript NM_001923.5 (MANE Select); coding-DNA position 901, C replaced by G.
Protein change: p.Arg301Gly; replaces arginine 301 with glycine.
Molecular consequence: missense variant.
Genome position (GRCh38, 1-based): chr11:61,323,999, G>C on the plus strand (C>G on the coding strand, the complement: DDB1 is on the minus strand). VCF-style: chr11-61323999-G-C. GRCh37 (hg19) VCF-style: chr11-61091471-G-C.
Other names: short protein forms R301G.
Identifiers: ClinVar variation 2506852 (VCV002506852.4), dbSNP rs1056048628, ClinGen allele CA380664876.
Genomic context (GRCh38, chr11:61,323,999, plus strand): 5'-TAAAAGAACATTGTAGAGGAACAGGGAGAACAAGCTCTACCTCTCCAAGGAGTTCTACAC[G>C]GAGATCCTTGAGAGTGACGGTGCCATCCATCTGTTCCTCCTTCTCCAAAAGCAGCATGAA-3'
Protein context (NP_001914.3, residues 291-311): MDGTVTLKDL[Arg301Gly]VELLGETSIA